The following is an entry in ClinVar:

ClinVar aggregate classification (germline): Uncertain significance (1 of 4 stars; one submission).

Conditions:
Methylmalonic acidemia with homocystinuria, type cblX (MAHCX). Also called: INTELLECTUAL DEVELOPMENTAL DISORDER, X-LINKED 3. Identifiers: Orphanet 369962, MedGen C0796208, MONDO:0010657, OMIM 309541.

Submission:

Labcorp Genetics (formerly Invitae), Labcorp
Classification: Uncertain significance for Methylmalonic acidemia with homocystinuria, type cblX. Last evaluated: 2025-05-15. Review status: criteria provided, single submitter. Criteria: Invitae Variant Classification Sherloc (09022015). Collection method: clinical testing. Allele origin: germline.
Comment: This sequence change replaces alanine, which is neutral and non-polar, with proline, which is neutral and non-polar, at codon 454 of the HCFC1 protein (p.Ala454Pro). This variant is not present in population databases (gnomAD no frequency). This variant has not been reported in the literature in individuals affected with HCFC1-related conditions. An algorithm developed to predict the effect of missense changes on protein structure and function (PolyPhen-2) suggests that this variant is likely to be tolerated. In summary, the available evidence is currently insufficient to determine the role of this variant in disease. Therefore, it has been classified as a Variant of Uncertain Significance.

NM_005334.3(HCFC1):c.1360G>C (p.Ala454Pro)

Gene: HCFC1 (host cell factor C1; minus strand). Cytogenetic location: Xq28.
Variant type: single nucleotide variant.
Coding change: c.1360G>C on transcript NM_005334.3 (MANE Select); coding-DNA position 1360, G replaced by C.
Protein change: p.Ala454Pro; replaces alanine 454 with proline.
Molecular consequence: missense variant.
Genome position (GRCh38, 1-based): chrX:153,959,886, C>G on the plus strand (G>C on the coding strand, the complement: HCFC1 is on the minus strand). VCF-style: chrX-153959886-C-G. GRCh37 (hg19) VCF-style: chrX-153225337-C-G.
Other names: c.1360G>C, p.Ala454Pro (NM_001410705.1, NM_001440843.1, NM_001440844.1 and 7 more transcripts); short protein forms A454P.
Identifiers: ClinVar variation 4719651 (VCV004719651.1).